The following is an entry in ClinVar:

ClinVar aggregate classification (germline): Benign. Review status: criteria provided, multiple submitters, no conflicts (2 of 4 stars). 7 submissions from 7 submitters: Benign (7). Last evaluated 2026-02-02.

Conditions:
Cockayne syndrome type 1. Also called: Cockayne syndrome type I; Cockayne syndrome classical; Cockayne syndrome classic form. Identifiers: Orphanet 191, Orphanet 90321, MedGen C0751039, MONDO:0019569, OMIM 216400.

Allele frequency attached by ClinVar (database versions not stated): 1000 Genomes Project 0.00998; 1000 Genomes Project 30x 0.01062; gnomAD 0.01289 and 0.01310; TOPMed 0.01355; gnomAD exomes 0.01499 and 0.01914; ExAC 0.01523; ESP Exome Variant Server 0.01600.
gnomAD v4.1: 29,648 of 1,598,376 alleles (1.9%); highest among the groups gnomAD compares: Middle Eastern, 3.3%; 324 homozygotes.

Submissions (7):

Labcorp Genetics (formerly Invitae), Labcorp
Classification: Benign. Last evaluated: 2026-02-02. Review status: criteria provided, single submitter. Criteria: Invitae Variant Classification Sherloc (09022015). Collection method: clinical testing. Allele origin: germline.

GeneDx
Classification: Benign. Last evaluated: 2019-12-11. Review status: criteria provided, single submitter. Criteria: GeneDx Variant Classification Process June 2021. Collection method: clinical testing. Allele origin: germline. Affected: yes.

Mayo Clinic Laboratories, Mayo Clinic
Classification: Benign. Last evaluated: 2018-11-28. Review status: criteria provided, single submitter. Criteria: ACMG Guidelines, 2015. Collection method: clinical testing. Allele origin: germline. Observed: 73 variant alleles.

Illumina Laboratory Services, Illumina
Classification: Benign for Cockayne syndrome type 1. Last evaluated: 2018-01-12. Review status: criteria provided, single submitter. Criteria: ICSL Variant Classification Criteria 13 December 2019. Collection method: clinical testing. Allele origin: germline.
Comment: This variant was observed in the ICSL laboratory as part of a predisposition screen in an ostensibly healthy population. It had not been previously curated by ICSL or reported in the Human Gene Mutation Database (HGMD: prior to June 1st, 2018), and was therefore a candidate for classification through an automated scoring system. Utilizing variant allele frequency, disease prevalence and penetrance estimates, and inheritance mode, an automated score was calculated to assess if this variant is too frequent to cause the disease. Based on the score and internal cut-off values, a variant classified as benign is not then subjected to further curation. The score for this variant resulted in a classification of benign for this disease.

Claritas Genomics
Classification: Benign. Last evaluated: 2012-11-16. Review status: criteria provided, single submitter. Criteria: ACMG Guidelines, 2007. Collection method: clinical testing. Allele origin: germline. Inheritance: Autosomal recessive inheritance.

Breakthrough Genomics
Classification: Benign. Review status: criteria provided, single submitter. Criteria: ACMG Guidelines, 2015. Collection method: not provided. Allele origin: germline. Inheritance: Autosomal recessive inheritance. Affected: yes.

PreventionGenetics, part of Exact Sciences
Classification: Benign. Review status: criteria provided, single submitter. Criteria: ACMG Guidelines, 2015. Collection method: clinical testing. Allele origin: germline.

NM_000082.4(ERCC8):c.363T>C (p.Asp121=)

Genes: ERCC8 (ERCC excision repair 8, CSA ubiquitin ligase complex subunit; minus strand), ERCC8-AS1 (ERCC8 antisense RNA 1; plus strand). Cytogenetic location: 5q12.1.
Variant type: single nucleotide variant.
Coding change: c.363T>C on transcript NM_000082.4 (MANE Select); coding-DNA position 363, T replaced by C.
Protein change: p.Asp121=; no amino-acid change (aspartic acid 121 retained).
Molecular consequence: synonymous variant. On other transcripts: 5 prime UTR variant (1).
Genome position (GRCh38, 1-based): chr5:60,918,301, A>G on the plus strand (T>C on the coding strand, the complement: ERCC8 is on the minus strand). VCF-style: chr5-60918301-A-G. GRCh37 (hg19) VCF-style: chr5-60214128-A-G.
Other names: p.Asp121=; c.189T>C, p.Asp63= (NM_001007233.3); c.363T>C, p.Asp121= (NM_001007234.3); c.-15T>C (NM_001290285.2).
Identifiers: ClinVar variation 190176 (VCV000190176.17), dbSNP rs4647088, ClinGen allele CA199606.